The following is an entry in ClinVar:

ClinVar aggregate classification (germline): Uncertain significance. Review status: criteria provided, multiple submitters, no conflicts (2 of 4 stars). 2 submissions from 2 submitters: Uncertain significance (2). Last evaluated 2025-05-27.

Conditions:
Arrhythmogenic right ventricular dysplasia 8 (ARVD8). Also called: Arrhythmogenic Right Ventricular Dysplasia/Cardiomyopathy 8; ARRHYTHMOGENIC RIGHT VENTRICULAR DYSPLASIA, FAMILIAL, 8; ARRHYTHMOGENIC RIGHT VENTRICULAR CARDIOMYOPATHY 8. Identifiers: MedGen C1843896, MONDO:0011831, OMIM 607450.
Arrhythmogenic cardiomyopathy with wooly hair and keratoderma. Also called: PALMOPLANTAR KERATODERMA WITH LEFT VENTRICULAR CARDIOMYOPATHY AND WOOLLY HAIR; Carvajal syndrome; Dilated cardiomyopathy with woolly hair and keratoderma; Arrhythmogenic cardiomyopathy with woolly hair and keratoderma. Identifiers: Orphanet 65282, MedGen C1854063, MONDO:0011581, OMIM 605676.

Allele frequency attached by ClinVar (database versions not stated): TOPMed below 0.00001.

Submissions (2):

Labcorp Genetics (formerly Invitae), Labcorp
Classification: Uncertain significance for Arrhythmogenic cardiomyopathy with wooly hair and keratoderma; Arrhythmogenic right ventricular dysplasia 8. Last evaluated: 2025-05-27. Review status: criteria provided, single submitter. Criteria: Invitae Variant Classification Sherloc (09022015). Collection method: clinical testing. Allele origin: germline.
Comment: This sequence change replaces lysine, which is basic and polar, with arginine, which is basic and polar, at codon 2317 of the DSP protein (p.Lys2317Arg). This variant is not present in population databases (gnomAD no frequency). This variant has not been reported in the literature in individuals affected with DSP-related conditions. ClinVar contains an entry for this variant (Variation ID: 2115805). An algorithm developed to predict the effect of missense changes on protein structure and function (PolyPhen-2) suggests that this variant is likely to be disruptive. In summary, the available evidence is currently insufficient to determine the role of this variant in disease. Therefore, it has been classified as a Variant of Uncertain Significance.

All of Us Research Program, National Institutes of Health
Classification: Uncertain significance for Arrhythmogenic cardiomyopathy with wooly hair and keratoderma. Last evaluated: 2023-12-13. Review status: criteria provided, single submitter. Criteria: ACMG Guidelines, 2015. Collection method: clinical testing. Allele origin: germline. Inheritance: Autosomal dominant inheritance. Observed: 1 variant allele, 1 heterozygote.
Comment: This missense variant replaces lysine with arginine at codon 2317 of the DSP protein. Computational prediction suggests that this variant may not impact protein structure and function (internally defined REVEL score threshold <= 0.5, PMID: 27666373). To our knowledge, functional studies have not been reported for this variant. This variant has not been reported in individuals affected with DSP-related disorders in the literature. This variant has not been identified in the general population by the Genome Aggregation Database (gnomAD). The available evidence is insufficient to determine the role of this variant in disease conclusively. Therefore, this variant is classified as a Variant of Uncertain Significance.

This study involves interpretation of variants in research participants for the purpose of population health screening. Participant phenotype was not available at the time of variant classification. Additional details can be found in publication PMID: 35346344, PMCID: PMC8962531

NM_004415.4(DSP):c.6950A>G (p.Lys2317Arg)

Gene: DSP (desmoplakin; plus strand). Cytogenetic location: 6p24.3.
Variant type: single nucleotide variant.
Coding change: c.6950A>G on transcript NM_004415.4 (MANE Select); coding-DNA position 6950, A replaced by G.
Protein change: p.Lys2317Arg; replaces lysine 2317 with arginine.
Molecular consequence: missense variant.
Genome position (GRCh38, 1-based): chr6:7,584,212, A>G. VCF-style: chr6-7584212-A-G. GRCh37 (hg19) VCF-style: chr6-7584445-A-G.
Other names: c.5153A>G, p.Lys1718Arg (NM_001008844.3); c.5621A>G, p.Lys1874Arg (NM_001319034.2); short protein forms K1718R, K1874R, K2317R.
Identifiers: ClinVar variation 2115805 (VCV002115805.5), dbSNP rs1759553324, ClinGen allele CA362691909.